The following is an entry in ClinVar:

ClinVar aggregate classification (germline): Conflicting classifications of pathogenicity. Review status: criteria provided, conflicting classifications (1 of 4 stars). 4 submissions from 4 submitters: Uncertain significance (3); Likely benign (1). Last evaluated 2026-01-12.

Conditions:
Inborn genetic diseases. Identifiers: MedGen C0950123, MeSH D030342.
Infantile neuroaxonal dystrophy (NBIA2A). Also called: NEURODEGENERATION WITH BRAIN IRON ACCUMULATION 2A; SEITELBERGER DISEASE; Infantile neuroaxonal dystrophy 1. Identifiers: Orphanet 35069, MedGen C0270724, MONDO:0024457, OMIM 256600.

Allele frequency attached by ClinVar (database versions not stated): gnomAD exomes 0.00007; ExAC 0.00008; ESP Exome Variant Server 0.00008; TOPMed 0.00009.
gnomAD v4.1: 303 of 1,613,562 alleles (0.019%); highest among the groups gnomAD compares: Non-Finnish European, 0.025%; 1 homozygote.

Submissions (4):

Labcorp Genetics (formerly Invitae), Labcorp
Classification: Likely benign for Infantile neuroaxonal dystrophy. Last evaluated: 2026-01-12. Review status: criteria provided, single submitter. Criteria: Invitae Variant Classification Sherloc (09022015). Collection method: clinical testing. Allele origin: germline.

CeGaT Center for Human Genetics Tuebingen
Classification: Uncertain significance. Last evaluated: 2023-07-01. Review status: criteria provided, single submitter. Criteria: CeGaT Center For Human Genetics Tuebingen Variant Classification Criteria Version 2. Collection method: clinical testing. Allele origin: germline. Affected: yes. Observed: 1 variant allele.
Comment: PLA2G6: PM2, BP4

Ambry Genetics
Classification: Uncertain significance for Inborn genetic diseases. Last evaluated: 2022-04-11. Review status: criteria provided, single submitter. Criteria: Ambry Variant Classification Scheme 2023. Collection method: clinical testing. Allele origin: germline.

GeneDx
Classification: Uncertain significance. Last evaluated: 2022-02-01. Review status: criteria provided, single submitter. Criteria: GeneDx Variant Classification Process June 2021. Collection method: clinical testing. Allele origin: germline. Affected: yes.
Comment: Not observed at significant frequency in large population cohorts (gnomAD); In silico analysis supports that this missense variant does not alter protein structure/function; Has not been previously published as pathogenic or benign to our knowledge

NM_003560.4(PLA2G6):c.1268C>T (p.Ala423Val)

Gene: PLA2G6 (phospholipase A2 group VI; minus strand). Cytogenetic location: 22q13.1.
Variant type: single nucleotide variant.
Coding change: c.1268C>T on transcript NM_003560.4 (MANE Select); coding-DNA position 1268, C replaced by T.
Protein change: p.Ala423Val; replaces alanine 423 with valine.
Molecular consequence: missense variant. On other transcripts: intron variant (5).
Genome position (GRCh38, 1-based): chr22:38,128,349, G>A on the plus strand (C>T on the coding strand, the complement: PLA2G6 is on the minus strand). VCF-style: chr22-38128349-G-A. GRCh37 (hg19) VCF-style: chr22-38524356-G-A.
Other names: c.1268C>T, p.Ala423Val (NM_001349864.2); c.734C>T, p.Ala245Val (NM_001349867.2); c.590C>T, p.Ala197Val (NM_001349868.2); c.1186+1105C>T (NM_001349866.2, NM_001199562.3, NM_001349865.2 and 1 more transcripts); c.652+1105C>T (NM_001349869.2); short protein forms A423V, A245V, A197V.
Identifiers: ClinVar variation 578593 (VCV000578593.36), dbSNP rs199636953, ClinGen allele CA10230960.